The following is an entry in ClinVar:

ClinVar aggregate classification (germline): Pathogenic (1 of 4 stars; one submission).

Conditions:
46 XY differences of sex development. Also called: 46, XY disorder of sex development (DSD); 46,XY disorder of sex development. Identifiers: Orphanet 98085, MedGen C2751824, MONDO:0020040.
Oligosynaptic infertility (SPGF1). Also called: SPERMATOGENIC FAILURE 1; OLIGOCHIASMATIC INFERTILITY. Identifiers: MedGen C0403810, MONDO:0009776, OMIM 258150.

Submission:

Labcorp Genetics (formerly Invitae), Labcorp
Classification: Pathogenic for 46 XY differences of sex development; Oligosynaptic infertility. Last evaluated: 2024-11-19. Review status: criteria provided, single submitter. Criteria: Invitae Variant Classification Sherloc (09022015). Collection method: clinical testing. Allele origin: germline.
Comment: This sequence change creates a premature translational stop signal (p.Tyr409Thrfs*22) in the NR5A1 gene. While this is not anticipated to result in nonsense mediated decay, it is expected to disrupt the last 53 amino acid(s) of the NR5A1 protein. This variant is not present in population databases (gnomAD no frequency). This variant has not been reported in the literature in individuals affected with NR5A1-related conditions. This variant disrupts a region of the NR5A1 protein in which other variant(s) (p.Cys412*) have been determined to be pathogenic (PMID: 30425642, 32738419). This suggests that this is a clinically significant region of the protein, and that variants that disrupt it are likely to be disease-causing. For these reasons, this variant has been classified as Pathogenic.

Literature cited by the submitters: PubMed 30425642; PubMed 32738419.

NM_004959.5(NR5A1):c.1223_1224dup (p.Tyr409fs)

Gene: NR5A1 (nuclear receptor subfamily 5 group A member 1; minus strand). Cytogenetic location: 9q33.3.
Variant type: Duplication.
Coding change: c.1223_1224dup on transcript NM_004959.5 (MANE Select); coding-DNA positions 1223 to 1224, 2 bases duplicated (AC; older notation c.1223_1224dupAC).
Protein change: p.Tyr409fs; shifts the reading frame from tyrosine 409.
Molecular consequence: frameshift variant.
Genome position (GRCh38, 1-based): chr9:124,482,920-124,482,921, GT duplicated on the plus strand (AC on the coding strand, the reverse complement: NR5A1 is on the minus strand); duplicating any 2 consecutive bases within chr9:124,482,920-124,482,922 gives the same sequence; the c. name uses the placement nearest the transcript's 3' end. VCF-style (leftmost placement, unchanged base first): chr9-124482919-A-AGT. GRCh37 (hg19) VCF-style: chr9-127245198-A-AGT.
Other names: short protein forms Y409fs.
Identifiers: ClinVar variation 3759840 (VCV003759840.2).